The following is an entry in ClinVar:

NM_000228.3(LAMB3):c.184-1G>A

Gene: LAMB3 (laminin subunit beta 3; minus strand). Cytogenetic location: 1q32.2.
Variant type: single nucleotide variant.
Coding change: c.184-1G>A on transcript NM_000228.3 (MANE Select); the canonical splice acceptor site of the intron before coding-DNA position 184, G replaced by A.
Molecular consequence: splice acceptor variant.
Genome position (GRCh38, 1-based): chr1:209,638,649, C>T on the plus strand (G>A on the coding strand, the complement: LAMB3 is on the minus strand). VCF-style: chr1-209638649-C-T. GRCh37 (hg19) VCF-style: chr1-209811994-C-T.
Other names: c.184-1G>A (NM_001127641.1, NM_001017402.2).
Identifiers: ClinVar variation 1468101 (VCV001468101.8), dbSNP rs2102446425, ClinGen allele CA344597939.
Genomic context (GRCh38, chr1:209,638,649, plus strand): 5'-TCGGTGACTGTAGTAGTTGTGAGGCTGCCTGGAGTCACACTTGCAGCATTTCATCTGCCA[C>T]TGTGGGAGAGGGAGATAGCAGACACTCAGAGGTGGGGTCCTGATAGAATTCCCCCTTGCG-3'

ClinVar aggregate classification (germline): Likely pathogenic (1 of 4 stars; one submission).

Submission:

Labcorp Genetics (formerly Invitae), Labcorp
Classification: Likely pathogenic. Last evaluated: 2021-03-13. Review status: criteria provided, single submitter. Criteria: Invitae Variant Classification Sherloc (09022015). Collection method: clinical testing. Allele origin: germline.
Comment: In summary, the currently available evidence indicates that the variant is pathogenic, but additional data are needed to prove that conclusively. Therefore, this variant has been classified as Likely Pathogenic. Algorithms developed to predict the effect of sequence changes on RNA splicing suggest that this variant may disrupt the consensus splice site, but this prediction has not been confirmed by published transcriptional studies. This variant has not been reported in the literature in individuals with LAMB3-related conditions. This variant is not present in population databases (ExAC no frequency). This sequence change affects an acceptor splice site in intron 3 of the LAMB3 gene. It is expected to disrupt RNA splicing. Variants that disrupt the donor or acceptor splice site typically lead to a loss of protein function (PMID: 16199547), and loss-of-function variants in LAMB3 are known to be pathogenic (PMID: 11023379, 16473856).

Literature cited by the submitters: PubMed 16199547; PubMed 11023379; PubMed 16473856.